The following is an entry in ClinVar:

ClinVar aggregate classification (germline): Uncertain significance. Review status: criteria provided, multiple submitters, no conflicts (2 of 4 stars). 2 submissions from 2 submitters: Uncertain significance (2). Last evaluated 2024-06-16.

Conditions:
Short-rib thoracic dysplasia 14 with polydactyly (SRTD14). Identifiers: Orphanet 397715, MedGen C4225286, MONDO:0014688, OMIM 616546.
Joubert syndrome 23 (JBTS23). Identifiers: Orphanet 475, MedGen C4084822, MONDO:0014664, OMIM 616490.
Inborn genetic diseases. Identifiers: MedGen C0950123, MeSH D030342.

Allele frequency attached by ClinVar (database versions not stated): gnomAD exomes below 0.00001 and 0.00001; ExAC 0.00001; TOPMed 0.00003.
gnomAD v4.1: 8 of 1,610,532 alleles (0.0005%); highest among the groups gnomAD compares: Non-Finnish European, 0.00059%; no homozygotes.

Submissions (2):

Ambry Genetics
Classification: Uncertain significance for Inborn genetic diseases. Last evaluated: 2024-06-16. Review status: criteria provided, single submitter. Criteria: Ambry Variant Classification Scheme 2023. Collection method: clinical testing. Allele origin: germline.

Labcorp Genetics (formerly Invitae), Labcorp
Classification: Uncertain significance for Joubert syndrome 23; Short-rib thoracic dysplasia 14 with polydactyly. Last evaluated: 2022-07-28. Review status: criteria provided, single submitter. Criteria: Invitae Variant Classification Sherloc (09022015). Collection method: clinical testing. Allele origin: germline.
Comment: This sequence change replaces glutamic acid, which is acidic and polar, with glycine, which is neutral and non-polar, at codon 347 of the KIAA0586 protein (p.Glu347Gly). This variant is present in population databases (rs765495285, gnomAD 0.002%). This variant has not been reported in the literature in individuals affected with KIAA0586-related conditions. ClinVar contains an entry for this variant (Variation ID: 1398893). Algorithms developed to predict the effect of missense changes on protein structure and function output the following: SIFT: "Deleterious"; PolyPhen-2: "Benign"; Align-GVGD: "Class C0". The glycine amino acid residue is found in multiple mammalian species, which suggests that this missense change does not adversely affect protein function. In summary, the available evidence is currently insufficient to determine the role of this variant in disease. Therefore, it has been classified as a Variant of Uncertain Significance.

NM_001329943.3(KIAA0586):c.881A>G (p.Glu294Gly)

Gene: KIAA0586 (KIAA0586; plus strand). Cytogenetic location: 14q23.1.
Variant type: single nucleotide variant.
Coding change: c.881A>G on transcript NM_001329943.3 (MANE Select); coding-DNA position 881, A replaced by G.
Protein change: p.Glu294Gly; replaces glutamic acid 294 with glycine.
Molecular consequence: missense variant.
Genome position (GRCh38, 1-based): chr14:58,448,413, A>G. VCF-style: chr14-58448413-A-G. GRCh37 (hg19) VCF-style: chr14-58915131-A-G.
Other names: c.1040A>G, p.Glu347Gly (NM_001244189.2); c.836A>G, p.Glu279Gly (NM_001244190.2); c.626A>G, p.Glu209Gly (NM_001244191.2, NM_001329945.2, NM_001364700.1 and 1 more transcripts); c.749A>G, p.Glu250Gly (NM_001244192.2); c.461A>G, p.Glu154Gly (NM_001244193.2); c.881A>G, p.Glu294Gly (NM_001329944.2, NM_001329946.2, NM_001329947.2 and 1 more transcripts); c.881A>G (NM_014749.3); short protein forms E347G, E209G, E279G, E294G, E154G, E250G.
Identifiers: ClinVar variation 1398893 (VCV001398893.5), dbSNP rs765495285, ClinGen allele CA7205503.
Genomic context (GRCh38, chr14:58,448,413, plus strand): 5'-GTGCTGCACTCAAGACTAGTAGTTTTCAGCCTGTTAGTATGCCCTCCTCCAGAGCAGTGG[A>G]AAAGTATTCCGTAAAACCAGAACACCCTAATCTTGGTAGCTGTAATCCATCTTTATATAA-3'
Protein context (NP_001316872.1, residues 284-304): PVSMPSSRAV[Glu294Gly]KYSVKPEHPN